The following is an entry in ClinVar:

NM_001040142.2(SCN2A):c.2760C>T (p.Leu920=)

Gene: SCN2A (sodium voltage-gated channel alpha subunit 2; plus strand). Cytogenetic location: 2q24.3.
Variant type: single nucleotide variant.
Coding change: c.2760C>T on transcript NM_001040142.2 (MANE Select); coding-DNA position 2760, C replaced by T.
Protein change: p.Leu920=; no amino-acid change (leucine 920 retained).
Molecular consequence: synonymous variant.
Genome position (GRCh38, 1-based): chr2:165,344,752, C>T. VCF-style: chr2-165344752-C-T. GRCh37 (hg19) VCF-style: chr2-166201262-C-T.
Other names: c.2760C>T, p.Leu920= (NM_001040143.2, NM_001371246.1, NM_001371247.1 and 1 more transcripts).
Identifiers: ClinVar variation 388341 (VCV000388341.1), dbSNP rs1057523075, ClinGen allele CA16603818.

ClinVar aggregate classification (germline): Likely benign (1 of 4 stars; one submission).

Allele frequency attached by ClinVar (database versions not stated): gnomAD exomes below 0.00001.

Submission:

GeneDx
Classification: Likely benign. Last evaluated: 2016-08-01. Review status: criteria provided, single submitter. Criteria: GeneDx Variant Classification (06012015). Collection method: clinical testing. Allele origin: germline. Affected: yes.
Comment: This variant is considered likely benign or benign based on one or more of the following criteria: it is a conservative change, it occurs at a poorly conserved position in the protein, it is predicted to be benign by multiple in silico algorithms, and/or has population frequency not consistent with disease.